The following is an entry in ClinVar:

ClinVar aggregate classification (germline): Pathogenic/Likely pathogenic. Review status: criteria provided, multiple submitters, no conflicts (2 of 4 stars). 5 submissions from 5 submitters: Pathogenic (1); Likely pathogenic (3). 1 of the submissions does not count toward it. Last evaluated 2026-03-13.

Conditions:
Alport syndrome. Also called: Hemorrhagic familial nephritis; Hemorrhagic hereditary nephritis; Congenital hereditary hematuria. Identifiers: Orphanet 63, MedGen C1567741, MONDO:0018965.
Autosomal dominant Alport syndrome (ATS3A). Also called: ALPORT SYNDROME 3A, AUTOSOMAL DOMINANT; Alport syndrome dominant type; Renal failure and sensorineural hearing loss. Identifiers: Orphanet 63, Orphanet 88918, MedGen C5882663, MONDO:0007086, OMIM 104200.

Allele frequency attached by ClinVar (database versions not stated): gnomAD exomes below 0.00001.
gnomAD v4.1: 4 of 1,609,036 alleles (0.00025%); highest among the groups gnomAD compares: Non-Finnish European, 0.00034%; no homozygotes.

Submissions (5):

Centre de Génétique Humaine, Institut de Pathologie Et de Génétique
Classification: Likely pathogenic for Autosomal dominant Alport syndrome. Last evaluated: 2026-03-13. Review status: criteria provided, single submitter. Criteria: ACMG Guidelines, 2015. Collection method: clinical testing. Allele origin: germline. Inheritance: Autosomal dominant inheritance. Affected: yes. Observed: 6 variant alleles, 4 heterozygotes, 2 compound heterozygotes. Clinical features observed: Microscopic hematuria (HP:0002907), Proteinuria (HP:0000093), Sensorineural hearing loss disorder (HP:0000407), Renal cyst (HP:0000107), Stage 5 chronic kidney disease (HP:0003774), Stage 2 chronic kidney disease (HP:0012624), Hypertensive disorder (HP:0000822), Stage 3 chronic kidney disease (HP:0012625). Segregation with disease observed.
Comment: This missense variant involves a highly conserved glycine located in a ‘Gly-X-Y’ motif in collagenous region, which is characteristic of the pathogenic variants identified in the COL4A3 gene (PM1,PP2). This variant is rare: allelic frequency of 0.00025% in gnomAD v4.1.0 database (PM2); In silico analysis supports that this missense variant has a deleterious effect (PP3). Detected in patients with AR and AD Alport S. or AD FBH (PP5)

Laboratorio de Genetica e Diagnostico Molecular, Hospital Israelita Albert Einstein
Classification: Likely pathogenic. Last evaluated: 2025-05-19. Review status: criteria provided, single submitter. Criteria: ACMG Guidelines, 2015. Collection method: clinical testing. Allele origin: germline. Affected: yes.
Comment: ACMG classification criteria: PS4 moderate, PM1 strong, PM2 supporting, PP3 supporting

Victorian Clinical Genetics Services, Murdoch Childrens Research Institute
Classification: Pathogenic for Alport syndrome. Last evaluated: 2024-10-14. Review status: criteria provided, single submitter. Criteria: ACMG Guidelines, 2015. Collection method: clinical testing. Allele origin: germline. Affected: yes.
Comment: This variant is classified as Pathogenic. Evidence in support of pathogenic classification: Variant is present in gnomAD <0.01 (v4: 4 heterozygote(s), 0 homozygote(s)); This variant has moderate previous evidence of pathogenicity in unrelated individuals. It has been classified as likely pathogenic, pathogenic and a VUS by clinical laboratories in ClinVar and LOVD. It has also been reported in two patients with autosomal dominant Alport syndrome (PMID: 12028435, 15618242); Another missense variant(s) comparable to the one identified in this case has moderate previous evidence for pathogenicity. p.(Gly1198Asp) has been classified as likely pathogenic by multiple clinical laboratories (ClinVar); Variant affects a glycine within the well-established functional G-X-Y repeat of a triple helical region (DECIPHER); Missense variant predicted to be damaging by an in silico tool or highly conserved with a major amino acid change. Additional information: Variant is predicted to result in a missense amino acid change from glycine to serine; This variant is heterozygous; This gene is associated with both recessive (Alport syndrome 3B (MIM#620536)) and dominant disease (Alport syndrome 3A (MIM#104200)) (OMIM); An alternative amino acid change at the same position has been observed in gnomAD (v4: 2 heterozygotes, 0 homozygotes); Dominant negative and loss of function are known mechanisms of disease in this gene and are associated with Alport syndrome (MONDO:0018965), COL4A3-related. Glycine changes that are part of a G-X-Y repeat in the triple helix of a collagen domain are known to have a dominant negative effect (PMID: 12028435); Inheritance information for this variant is not currently available in this individual.

Labcorp Genetics (formerly Invitae), Labcorp
Classification: Likely pathogenic. Last evaluated: 2022-06-25. Review status: criteria provided, single submitter. Criteria: Invitae Variant Classification Sherloc (09022015). Collection method: clinical testing. Allele origin: germline.
Comment: This sequence change replaces glycine, which is neutral and non-polar, with serine, which is neutral and polar, at codon 1198 of the COL4A3 protein (p.Gly1198Ser). In summary, the currently available evidence indicates that the variant is pathogenic, but additional data are needed to prove that conclusively. Therefore, this variant has been classified as Likely Pathogenic. Advanced modeling of protein sequence and biophysical properties (such as structural, functional, and spatial information, amino acid conservation, physicochemical variation, residue mobility, and thermodynamic stability) performed at Invitae indicates that this missense variant is expected to disrupt COL4A3 protein function. ClinVar contains an entry for this variant (Variation ID: 562260). This missense change has been observed in individuals with COL4A3-related conditions (PMID: 12028435, 15618242, 33226606, 34400539). This variant is not present in population databases (gnomAD no frequency).

Gharavi Laboratory, Columbia University
Classification: Likely pathogenic. Last evaluated: 2018-09-16. Review status: no assertion criteria provided. Criteria: ACMG Guidelines, 2015. Collection method: research. Allele origin: germline. Affected: yes. Not counted in ClinVar's aggregate classification.

Literature cited by the submitters: PubMed 12028435 (cited by 3 submitters); PubMed 33226606 (cited by Centre de Génétique Humaine, Institut de Pathologie Et de Génétique and Labcorp Genetics (formerly Invitae), Labcorp); PubMed 34400539 (cited by Centre de Génétique Humaine, Institut de Pathologie Et de Génétique and Labcorp Genetics (formerly Invitae), Labcorp); PubMed 30586318 (cited by Centre de Génétique Humaine, Institut de Pathologie Et de Génétique); PubMed 15618242 (cited by Victorian Clinical Genetics Services, Murdoch Childrens Research Institute and Labcorp Genetics (formerly Invitae), Labcorp).

NM_000091.5(COL4A3):c.3592G>A (p.Gly1198Ser)

Genes: COL4A3 (collagen type IV alpha 3 chain; plus strand), MFF-DT (MFF divergent transcript; minus strand). Cytogenetic location: 2q36.3.
Variant type: single nucleotide variant.
Coding change: c.3592G>A on transcript NM_000091.5 (MANE Select); coding-DNA position 3592, G replaced by A.
Protein change: p.Gly1198Ser; replaces glycine 1198 with serine.
Molecular consequence: missense variant.
Genome position (GRCh38, 1-based): chr2:227,297,700, G>A. VCF-style: chr2-227297700-G-A. GRCh37 (hg19) VCF-style: chr2-228162416-G-A.
Other names: p.(Gly1198Ser); c.3592G>A (NM_000091.4); short protein forms G1198S.
Identifiers: ClinVar variation 562260 (VCV000562260.12), dbSNP rs920061910, ClinGen allele CA66610381.